The following is an entry in ClinVar:

ClinVar aggregate classification (germline): Uncertain significance (1 of 4 stars; one submission).

Conditions:
Familial cancer of breast. Also called: Hereditary breast cancer; BREAST CANCER, FAMILIAL; hereditary breast carcinoma. Identifiers: Orphanet 227535, MedGen C0346153, MONDO:0016419, OMIM 114480. Disease mechanism: loss of function.

Submission:

Labcorp Genetics (formerly Invitae), Labcorp
Classification: Uncertain significance for Familial cancer of breast. Last evaluated: 2023-10-29. Review status: criteria provided, single submitter. Criteria: Invitae Variant Classification Sherloc (09022015). Collection method: clinical testing. Allele origin: germline.
Comment: This sequence change replaces glutamic acid, which is acidic and polar, with alanine, which is neutral and non-polar, at codon 213 of the BARD1 protein (p.Glu213Ala). This variant is not present in population databases (gnomAD no frequency). This variant has not been reported in the literature in individuals affected with BARD1-related conditions. An algorithm developed to predict the effect of missense changes on protein structure and function (PolyPhen-2) suggests that this variant is likely to be tolerated. In summary, the available evidence is currently insufficient to determine the role of this variant in disease. Therefore, it has been classified as a Variant of Uncertain Significance.

NM_000465.4(BARD1):c.638A>C (p.Glu213Ala)

Gene: BARD1 (BRCA1 associated RING domain 1; minus strand). Cytogenetic location: 2q35.
Variant type: single nucleotide variant.
Coding change: c.638A>C on transcript NM_000465.4 (MANE Select); coding-DNA position 638, A replaced by C.
Protein change: p.Glu213Ala; replaces glutamic acid 213 with alanine.
Molecular consequence: missense variant. On other transcripts: non-coding transcript variant (2), intron variant (3).
Genome position (GRCh38, 1-based): chr2:214,781,236, T>G on the plus strand (A>C on the coding strand, the complement: BARD1 is on the minus strand). VCF-style: chr2-214781236-T-G. GRCh37 (hg19) VCF-style: chr2-215645960-T-G.
Other names: c.581A>C, p.Glu194Ala (NM_001282543.2); c.158+28176A>C (NM_001282548.2); c.215+15825A>C (NM_001282545.2); c.364+11061A>C (NM_001282549.2); short protein forms E194A, E213A.
Identifiers: ClinVar variation 2827466 (VCV002827466.3), dbSNP rs2469510707, ClinGen allele CA350456626.